The following is an entry in ClinVar:

NM_001122955.4(BSCL2):c.991C>T (p.Arg331Cys)

Genes: BSCL2 (BSCL2 lipid droplet biogenesis associated, seipin; minus strand), HNRNPUL2-BSCL2 (HNRNPUL2-BSCL2 readthrough (NMD candidate); minus strand). Cytogenetic location: 11q12.3.
Variant type: single nucleotide variant.
Coding change: c.991C>T on transcript NM_001122955.4 (MANE Select); coding-DNA position 991, C replaced by T.
Protein change: p.Arg331Cys; replaces arginine 331 with cysteine.
Molecular consequence: missense variant. On other transcripts: non-coding transcript variant (1), intron variant (1).
Genome position (GRCh38, 1-based): chr11:62,691,294, G>A on the plus strand (C>T on the coding strand, the complement: BSCL2 is on the minus strand). VCF-style: chr11-62691294-G-A. GRCh37 (hg19) VCF-style: chr11-62458766-G-A.
Other names: c.991C>T, p.Arg331Cys (NM_001386027.1, NM_001386028.1); c.799C>T, p.Arg267Cys (NM_032667.6); c.672-153C>T (NM_001130702.2); short protein forms R331C, R267C.
Identifiers: ClinVar variation 879798 (VCV000879798.11), dbSNP rs773431994, ClinGen allele CA6053391.

ClinVar aggregate classification (germline): Uncertain significance. Review status: criteria provided, multiple submitters, no conflicts (2 of 4 stars). 3 submissions from 2 submitters: Uncertain significance (3). Last evaluated 2025-02-02.

Conditions:
Neuronopathy, distal hereditary motor, type 5A (HMND5). Also called: Distal Spinal Muscular Atrophy V (dSMA-V); Distal Spinal Muscular Atrophy V; DHMN VA; NEURONOPATHY, DISTAL HEREDITARY MOTOR, AUTOSOMAL DOMINANT 5. Identifiers: Orphanet 139536, MedGen CN031873, MONDO:0015353, OMIM 600794.
Charcot-Marie-Tooth disease type 2. Also called: Charcot-Marie-Tooth type 2. Identifiers: Orphanet 64746, MedGen C0270914, MONDO:0018993.
Congenital generalized lipodystrophy type 2 (CGL2). Also called: SEIP SYNDROME; BERARDINELLI SYNDROME; BRUNZELL SYNDROME, BSCL2-RELATED; Berardinelli-Seip Congenital Lipodystrophy Type 2. Identifiers: Orphanet 528, Orphanet 696289, MedGen C1720863, MONDO:0010020, OMIM 269700.

Allele frequency attached by ClinVar (database versions not stated): gnomAD exomes 0.00002; ExAC 0.00003; gnomAD 0.00001; TOPMed 0.00001.

Submissions (3):

Labcorp Genetics (formerly Invitae), Labcorp
Classification: Uncertain significance for Charcot-Marie-Tooth disease type 2. Last evaluated: 2025-02-02. Review status: criteria provided, single submitter. Criteria: Invitae Variant Classification Sherloc (09022015). Collection method: clinical testing. Allele origin: germline.
Comment: This sequence change replaces arginine, which is basic and polar, with cysteine, which is neutral and slightly polar, at codon 267 of the BSCL2 protein (p.Arg267Cys). This variant is present in population databases (rs773431994, gnomAD 0.004%). This variant has not been reported in the literature in individuals affected with BSCL2-related conditions. ClinVar contains an entry for this variant (Variation ID: 879798). Invitae Evidence Modeling of protein sequence and biophysical properties (such as structural, functional, and spatial information, amino acid conservation, physicochemical variation, residue mobility, and thermodynamic stability) indicates that this missense variant is not expected to disrupt BSCL2 protein function with a negative predictive value of 80%. In summary, the available evidence is currently insufficient to determine the role of this variant in disease. Therefore, it has been classified as a Variant of Uncertain Significance.

Illumina Laboratory Services, Illumina
Classification: Uncertain significance for Neuronopathy, distal hereditary motor, type 5A. Last evaluated: 2018-01-15. Review status: criteria provided, single submitter. Criteria: ICSL Variant Classification Criteria 13 December 2019. Collection method: clinical testing. Allele origin: germline.

Illumina Laboratory Services, Illumina
Classification: Uncertain significance for Congenital generalized lipodystrophy type 2. Last evaluated: 2018-01-15. Review status: criteria provided, single submitter. Criteria: ICSL Variant Classification Criteria 13 December 2019. Collection method: clinical testing. Allele origin: germline.